The following is an entry in ClinVar:

NM_006420.3(ARFGEF2):c.1852A>G (p.Met618Val)

Gene: ARFGEF2 (ARF guanine nucleotide exchange factor 2; plus strand). Cytogenetic location: 20q13.13.
Variant type: single nucleotide variant.
Coding change: c.1852A>G on transcript NM_006420.3 (MANE Select); coding-DNA position 1852, A replaced by G.
Protein change: p.Met618Val; replaces methionine 618 with valine.
Molecular consequence: missense variant.
Genome position (GRCh38, 1-based): chr20:48,976,093, A>G. VCF-style: chr20-48976093-A-G. GRCh37 (hg19) VCF-style: chr20-47592630-A-G.
Other names: c.1849A>G, p.Met617Val (NM_001410846.1); short protein forms M617V, M618V.
Identifiers: ClinVar variation 2634869 (VCV002634869.2), dbSNP rs774168472, ClinGen allele CA9898497.

ClinVar aggregate classification (germline): Uncertain significance. Review status: criteria provided, multiple submitters, no conflicts (2 of 4 stars). 2 submissions from 2 submitters: Uncertain significance (2). Last evaluated 2025-06-29.

Conditions:
ARFGEF2-related disorder. Also called: ARFGEF2-related condition.
Inborn genetic diseases. Identifiers: MedGen C0950123, MeSH D030342.

Allele frequency attached by ClinVar (database versions not stated): TOPMed below 0.00001; ExAC 0.00001; gnomAD exomes 0.00002.
gnomAD v4.1: 36 of 1,613,624 alleles (0.0022%); highest among the groups gnomAD compares: Non-Finnish European, 0.0027%; no homozygotes.

Submissions (2):

Ambry Genetics
Classification: Uncertain significance for Inborn genetic diseases. Last evaluated: 2025-06-29. Review status: criteria provided, single submitter. Criteria: Ambry Variant Classification Scheme 2023. Collection method: clinical testing. Allele origin: germline.

PreventionGenetics, part of Exact Sciences
Classification: Uncertain significance for ARFGEF2-related condition. Last evaluated: 2023-04-27. Review status: criteria provided, single submitter. Criteria: ACMG Guidelines, 2015. Collection method: clinical testing. Allele origin: germline.
Comment: The ARFGEF2 c.1852A>G variant is predicted to result in the amino acid substitution p.Met618Val. To our knowledge, this variant has not been reported in the literature. This variant is reported in 0.0062% of alleles in individuals of African descent in gnomAD. At this time, the clinical significance of this variant is uncertain due to the absence of conclusive functional and genetic evidence.